The following is an entry in ClinVar:

ClinVar aggregate classification (germline): Uncertain significance (1 of 4 stars; one submission).

Submission:

Labcorp Genetics (formerly Invitae), Labcorp
Classification: Uncertain significance. Last evaluated: 2025-09-20. Review status: criteria provided, single submitter. Criteria: Invitae Variant Classification Sherloc (09022015). Collection method: clinical testing. Allele origin: germline.
Comment: This sequence change replaces proline, which is neutral and non-polar, with alanine, which is neutral and non-polar, at codon 458 of the NFIA protein (p.Pro458Ala). This variant is not present in population databases (gnomAD no frequency). This variant has not been reported in the literature in individuals affected with NFIA-related conditions. An algorithm developed to predict the effect of missense changes on protein structure and function (PolyPhen-2) suggests that this variant is likely to be disruptive. In summary, the available evidence is currently insufficient to determine the role of this variant in disease. Therefore, it has been classified as a Variant of Uncertain Significance.

NM_001134673.4(NFIA):c.1372C>G (p.Pro458Ala)

Gene: NFIA (nuclear factor I A; plus strand). Cytogenetic location: 1p31.3.
Variant type: single nucleotide variant.
Coding change: c.1372C>G on transcript NM_001134673.4 (MANE Select); coding-DNA position 1372, C replaced by G.
Protein change: p.Pro458Ala; replaces proline 458 with alanine.
Molecular consequence: missense variant.
Genome position (GRCh38, 1-based): chr1:61,406,679, C>G. VCF-style: chr1-61406679-C-G. GRCh37 (hg19) VCF-style: chr1-61872351-C-G.
Other names: c.1348C>G, p.Pro450Ala (NM_001145511.2); c.1507C>G, p.Pro503Ala (NM_001145512.2); c.1372C>G, p.Pro458Ala (NM_005595.5); short protein forms P458A, P450A, P503A.
Identifiers: ClinVar variation 4691086 (VCV004691086.1).